The following is an entry in ClinVar:

NM_030662.4(MAP2K2):c.1046+91_1046+92del

Gene: MAP2K2 (mitogen-activated protein kinase kinase 2; minus strand). Cytogenetic location: 19p13.3.
Variant type: Deletion.
Coding change: c.1046+91_1046+92del on transcript NM_030662.4 (MANE Select); bases 91 to 92 of the intron after coding-DNA position 1046, 2 bases deleted (CC; older notation c.1046+91_1046+92delCC).
Molecular consequence: intron variant.
Genome position (GRCh38, 1-based): chr19:4,095,296-4,095,297, GG deleted on the plus strand (CC on the coding strand, the reverse complement: MAP2K2 is on the minus strand); deleting any 2 consecutive bases within chr19:4,095,296-4,095,298 gives the same sequence; the c. name uses the placement nearest the transcript's 3' end. VCF-style (leftmost placement, unchanged base first): chr19-4095295-TGG-T. GRCh37 (hg19) VCF-style: chr19-4095293-TGG-T.
Other names: c.1046+91_1046+92delCC (NM_030662.3).
Identifiers: ClinVar variation 561436 (VCV000561436.1), dbSNP rs559885397, ClinGen allele CA304447473.

ClinVar aggregate classification (germline): Likely benign (1 of 4 stars; one submission).

Submission:

GeneDx
Classification: Likely benign. Last evaluated: 2018-06-16. Review status: criteria provided, single submitter. Criteria: GeneDx Variant Classification (06012015). Collection method: clinical testing. Allele origin: germline. Affected: yes.
Comment: This variant is considered likely benign or benign based on one or more of the following criteria: it is a conservative change, it occurs at a poorly conserved position in the protein, it is predicted to be benign by multiple in silico algorithms, and/or has population frequency not consistent with disease.